The following is an entry in ClinVar:

ClinVar aggregate classification (germline): Conflicting classifications of pathogenicity. Review status: criteria provided, conflicting classifications (1 of 4 stars). 15 submissions from 15 submitters: Uncertain significance (1); Benign (2); Likely benign (11). 1 of the submissions does not count toward it. Last evaluated 2026-02-02.

Conditions:
Hereditary nonpolyposis colorectal neoplasms. Identifiers: MedGen C0009405, MeSH D003123.
Breast and/or ovarian cancer. Identifiers: MedGen CN221562.
Hereditary cancer-predisposing syndrome. Also called: Tumor predisposition; Neoplastic Syndromes, Hereditary; Hereditary Cancer Syndrome; Hereditary neoplastic syndrome. Identifiers: Orphanet 140162, MedGen C0027672, MeSH D009386, MONDO:0015356.
Lynch syndrome 4 (LYNCH4). Also called: Hereditary non-polyposis colorectal cancer, type 4; Colorectal cancer, hereditary nonpolyposis, type 4. Identifiers: Orphanet 144, MedGen C1838333, MONDO:0013699, OMIM 614337. Disease mechanism: loss of function.

Allele frequency attached by ClinVar (database versions not stated): TOPMed 0.00002; gnomAD exomes 0.00004 and 0.00006; ExAC 0.00007; gnomAD 0.00008 and 0.00009; 1000 Genomes Project 30x 0.00031; 1000 Genomes Project 0.00040.
gnomAD v4.1: 93 of 1,607,652 alleles (0.0058%); highest among the groups gnomAD compares: East Asian, 0.022%; no homozygotes.

Submissions (15):

Labcorp Genetics (formerly Invitae), Labcorp
Classification: Likely benign for Hereditary nonpolyposis colorectal neoplasms. Last evaluated: 2026-02-02. Review status: criteria provided, single submitter. Criteria: Invitae Variant Classification Sherloc (09022015). Collection method: clinical testing. Allele origin: germline.

Center for Genomic Medicine, Rigshospitalet, Copenhagen University Hospital
Classification: Likely benign. Last evaluated: 2025-03-04. Review status: criteria provided, single submitter. Criteria: ACMG Guidelines, 2015. Collection method: clinical testing. Allele origin: germline.

Myriad Genetics, Inc.
Classification: Benign for Lynch syndrome 4. Last evaluated: 2025-02-03. Review status: criteria provided, single submitter. Criteria: Myriad Autosomal Dominant, Autosomal Recessive and X-Linked Classification Criteria (2023). Collection method: clinical testing. Allele origin: unknown.
Comment: This variant is considered benign. This variant is a silent/synonymous amino acid change and it is not expected to impact splicing.

Blueprint Genetics
Classification: Likely benign. Last evaluated: 2024-09-16. Review status: criteria provided, single submitter. Criteria: ACMG Guidelines, 2015. Collection method: clinical testing. Allele origin: germline.

CeGaT Center for Human Genetics Tuebingen
Classification: Likely benign. Last evaluated: 2022-12-01. Review status: criteria provided, single submitter. Criteria: CeGaT Center For Human Genetics Tuebingen Variant Classification Criteria Version 2. Collection method: clinical testing. Allele origin: germline. Affected: yes. Observed: 2 variant alleles.
Comment: PMS2: BP4, BP7

Color Diagnostics, LLC DBA Color Health
Classification: Likely benign for Hereditary cancer-predisposing syndrome. Last evaluated: 2022-09-06. Review status: criteria provided, single submitter. Criteria: ACMG Guidelines, 2015. Collection method: clinical testing. Allele origin: germline.

CHEO Genetics Diagnostic Laboratory, Children's Hospital of Eastern Ontario
Classification: Likely benign for Breast and/or ovarian cancer. Last evaluated: 2022-05-06. Review status: criteria provided, single submitter. Criteria: ACMG Guidelines, 2015. Collection method: clinical testing. Allele origin: germline.

Sema4
Classification: Likely benign for Hereditary cancer-predisposing syndrome. Last evaluated: 2021-09-16. Review status: criteria provided, single submitter. Criteria: Sema4 Curation Guidelines. Collection method: curation. Allele origin: germline.

Department of Pathology and Laboratory Medicine, Sinai Health System
Classification: Likely benign for Lynch syndrome 4. Last evaluated: 2020-07-27. Review status: criteria provided, single submitter. Criteria: ACMG Guidelines, 2015. Collection method: clinical testing. Allele origin: germline. Affected: yes.

Women's Health and Genetics/Laboratory Corporation of America, LabCorp
Classification: Likely benign. Last evaluated: 2019-08-29. Review status: criteria provided, single submitter. Criteria: LabCorp Variant Classification Summary - May 2015. Collection method: clinical testing. Allele origin: germline.

PreventionGenetics, part of Exact Sciences
Classification: Likely benign. Last evaluated: 2017-09-25. Review status: criteria provided, single submitter. Criteria: ACMG Guidelines, 2015. Collection method: clinical testing. Allele origin: germline.

GeneDx
Classification: Benign. Last evaluated: 2015-03-03. Review status: criteria provided, single submitter. Criteria: GeneDx Variant Classification Process June 2021. Collection method: clinical testing. Allele origin: germline. Affected: yes.

Eurofins Ntd Llc (ga)
Classification: Uncertain significance. Last evaluated: 2015-02-18. Review status: criteria provided, single submitter. Criteria: EGL Classification Definitions 2015. Collection method: clinical testing. Allele origin: germline. Observed: 1 variant allele, 1 heterozygote.

Ambry Genetics
Classification: Likely benign for Hereditary cancer-predisposing syndrome. Last evaluated: 2014-12-18. Review status: criteria provided, single submitter. Criteria: Ambry Variant Classification Scheme 2023. Collection method: clinical testing. Allele origin: germline.

Genetic Services Laboratory, University of Chicago
Classification: Likely benign. Last evaluated: 2022-06-28. Review status: no assertion criteria provided. Collection method: clinical testing. Allele origin: germline. Affected: no. Not counted in ClinVar's aggregate classification.

NM_000535.7(PMS2):c.2127C>T (p.Phe709=)

Gene: PMS2 (PMS1 homolog 2, mismatch repair system component; minus strand). Cytogenetic location: 7p22.1.
Variant type: single nucleotide variant.
Coding change: c.2127C>T on transcript NM_000535.7 (MANE Select); coding-DNA position 2127, C replaced by T.
Protein change: p.Phe709=; no amino-acid change (phenylalanine 709 retained).
Molecular consequence: synonymous variant. On other transcripts: non-coding transcript variant (1).
Genome position (GRCh38, 1-based): chr7:5,982,871, G>A on the plus strand (C>T on the coding strand, the complement: PMS2 is on the minus strand). VCF-style: chr7-5982871-G-A. GRCh37 (hg19) VCF-style: chr7-6022502-G-A.
Other names: c.1722C>T, p.Phe574= (NM_001322003.2, NM_001322004.2, NM_001322005.2 and 1 more transcripts); c.1971C>T, p.Phe657= (NM_001322006.2); c.1809C>T, p.Phe603= (NM_001322007.2, NM_001322008.2); c.1566C>T, p.Phe522= (NM_001322010.2); c.1194C>T, p.Phe398= (NM_001322011.2, NM_001322012.2); c.1554C>T, p.Phe518= (NM_001322013.2); c.2127C>T, p.Phe709= (NM_001322014.2); c.1818C>T, p.Phe606= (NM_001322015.2).
Identifiers: ClinVar variation 194001 (VCV000194001.66), dbSNP rs199943748, ClinGen allele CA010873.